The following is an entry in ClinVar:

ClinVar aggregate classification (germline): Uncertain significance (1 of 4 stars; one submission).

Submission:

Labcorp Genetics (formerly Invitae), Labcorp
Classification: Uncertain significance. Last evaluated: 2022-11-30. Review status: criteria provided, single submitter. Criteria: Invitae Variant Classification Sherloc (09022015). Collection method: clinical testing. Allele origin: germline.
Comment: In summary, the available evidence is currently insufficient to determine the role of this variant in disease. Therefore, it has been classified as a Variant of Uncertain Significance. Algorithms developed to predict the effect of missense changes on protein structure and function output the following: SIFT: "Tolerated"; PolyPhen-2: "Not Available"; Align-GVGD: "Class C0". The valine amino acid residue is found in multiple mammalian species, which suggests that this missense change does not adversely affect protein function. This variant has not been reported in the literature in individuals affected with RGR-related conditions. This variant is not present in population databases (gnomAD no frequency). This sequence change replaces alanine, which is neutral and non-polar, with valine, which is neutral and non-polar, at codon 90 of the RGR protein (p.Ala90Val).

NM_001012720.2(RGR):c.269C>T (p.Ala90Val)

Gene: RGR (retinal G protein coupled receptor; plus strand). Cytogenetic location: 10q23.1.
Variant type: single nucleotide variant.
Coding change: c.269C>T on transcript NM_001012720.2 (MANE Select); coding-DNA position 269, C replaced by T.
Protein change: p.Ala90Val; replaces alanine 90 with valine.
Molecular consequence: missense variant.
Genome position (GRCh38, 1-based): chr10:84,248,954, C>T. VCF-style: chr10-84248954-C-T. GRCh37 (hg19) VCF-style: chr10-86008710-C-T.
Other names: c.269C>T, p.Ala90Val (NM_001012722.2); c.281C>T, p.Ala94Val (NM_002921.4); short protein forms A90V, A94V.
Identifiers: ClinVar variation 2781738 (VCV002781738.3), dbSNP rs2492629087, ClinGen allele CA377391094.
Genomic context (GRCh38, chr10:84,248,954, plus strand): 5'-GGTCACTGGTGCCCAGTGTCTCCCACAGGCGCTGGCCCTACGGCTCGGACGGCTGCCAGG[C>T]TCACGGCTTCCAGGGCTTTGTGACAGCGTTGGCCAGCATCTGCAGCAGTGCAGCCATCGC-3'
Protein context (NP_001012738.1, residues 80-100): RWPYGSDGCQ[Ala90Val]HGFQGFVTAL